The following is an entry in ClinVar:

ClinVar aggregate classification (germline): Likely benign. Review status: criteria provided, multiple submitters, no conflicts (2 of 4 stars). 2 submissions from 2 submitters: Likely benign (2). Last evaluated 2019-12-07.

Conditions:
Congenital contractural arachnodactyly (CCA). Also called: BEALS SYNDROME; Beals-Hecht syndrome; Arthrogryposis, distal, type 9. Identifiers: Orphanet 115, MedGen C0220668, MONDO:0007363, OMIM 121050.

Allele frequency attached by ClinVar (database versions not stated): gnomAD below 0.00001 and 0.00004; TOPMed 0.00001; gnomAD exomes 0.00004 and 0.00008; ExAC 0.00007.
gnomAD v4.1: 61 of 1,614,046 alleles (0.0038%); highest among the groups gnomAD compares: South Asian, 0.065%; no homozygotes.

Submissions (2):

Labcorp Genetics (formerly Invitae), Labcorp
Classification: Likely benign for Congenital contractural arachnodactyly. Last evaluated: 2019-12-07. Review status: criteria provided, single submitter. Criteria: Invitae Variant Classification Sherloc (09022015). Collection method: clinical testing. Allele origin: germline.

Illumina Laboratory Services, Illumina
Classification: Likely benign for Congenital contractural arachnodactyly. Last evaluated: 2018-01-13. Review status: criteria provided, single submitter. Criteria: ICSL Variant Classification Criteria 13 December 2019. Collection method: clinical testing. Allele origin: germline.
Comment: This variant was observed in the ICSL laboratory as part of a predisposition screen in an ostensibly healthy population. It had not been previously curated by ICSL or reported in the Human Gene Mutation Database (HGMD: prior to June 1st, 2018), and was therefore a candidate for classification through an automated scoring system. Utilizing variant allele frequency, disease prevalence and penetrance estimates, and inheritance mode, an automated score was calculated to assess if this variant is too frequent to cause the disease. Based on the score and internal cut-off values, a variant classified as likely benign is not then subjected to further curation. The score for this variant resulted in a classification of likely benign for this disease.

NM_001999.4(FBN2):c.6437A>G (p.Asp2146Gly)

Gene: FBN2 (fibrillin 2; minus strand). Cytogenetic location: 5q23.3.
Variant type: single nucleotide variant.
Coding change: c.6437A>G on transcript NM_001999.4 (MANE Select); coding-DNA position 6437, A replaced by G.
Protein change: p.Asp2146Gly; replaces aspartic acid 2146 with glycine.
Molecular consequence: missense variant.
Genome position (GRCh38, 1-based): chr5:128,290,740, T>C on the plus strand (A>G on the coding strand, the complement: FBN2 is on the minus strand). VCF-style: chr5-128290740-T-C. GRCh37 (hg19) VCF-style: chr5-127626432-T-C.
Other names: short protein forms D2146G.
Identifiers: ClinVar variation 904674 (VCV000904674.9), dbSNP rs760548036, ClinGen allele CA3394423.
Genomic context (GRCh38, chr5:128,290,740, plus strand): 5'-ACATTCAAAAACTGGTACACAAAGTGCTGTCTGATGATGTCATTGCTCTTACCTTCATCG[T>C]CTTTGGGGCACAGCTCACAGGGGTCCCCCCAGCCCTCTCCTGGCATCTTACTACAGCAGC-3'
Protein context (NP_001990.2, residues 2136-2156): WGDPCELCPK[Asp2146Gly]DEVAFQDLCP